The following is an entry in ClinVar:

NM_000138.5(FBN1):c.7398C>A (p.Tyr2466Ter)

Gene: FBN1 (fibrillin 1; minus strand). Cytogenetic location: 15q21.1.
Variant type: single nucleotide variant.
Coding change: c.7398C>A on transcript NM_000138.5 (MANE Select); coding-DNA position 7398, C replaced by A.
Protein change: p.Tyr2466Ter; replaces tyrosine 2466 with a stop codon.
Molecular consequence: nonsense.
Genome position (GRCh38, 1-based): chr15:48,425,424, G>T on the plus strand (C>A on the coding strand, the complement: FBN1 is on the minus strand). VCF-style: chr15-48425424-G-T. GRCh37 (hg19) VCF-style: chr15-48717621-G-T.
Other names: short protein forms Y2466*.
Identifiers: ClinVar variation 549405 (VCV000549405.22), dbSNP rs1555394402, ClinGen allele CA392327799.
Genomic context (GRCh38, chr15:48,425,424, plus strand): 5'-TTTACCTTTGCAGCTCCTTCCATCCTCTTGCAGAATGTAGCCTTTCGGGCATGAACACTG[G>T]TAACTCCCTTCTGTGTTTTTGCAGATAAAATTGCAGGGTTTGGGAGCCTGGTTGCACTCG-3'

ClinVar aggregate classification (germline): Pathogenic. Review status: criteria provided, multiple submitters, no conflicts (2 of 4 stars). 3 submissions from 3 submitters: Pathogenic (2). 1 of the submissions does not count toward it. Last evaluated 2022-10-13.

Conditions:
Familial thoracic aortic aneurysm and aortic dissection (TAAD). Also called: Thoracic aortic aneurysms and dissections. Identifiers: Orphanet 91387, MedGen C4707243, MONDO:0019625.
Marfan syndrome (MFS). Also called: Marfan syndrome type 1; Marfan syndrome, classic; Marfan's syndrome; FBN1-Related Marfan Syndrome; MARFAN SYNDROME, TYPE I. Identifiers: Orphanet 284963, Orphanet 558, MedGen C0024796, MONDO:0007947, OMIM 154700.

Submissions (3):

Labcorp Genetics (formerly Invitae), Labcorp
Classification: Pathogenic for Marfan syndrome; Familial thoracic aortic aneurysm and aortic dissection. Last evaluated: 2022-10-13. Review status: criteria provided, single submitter. Criteria: Invitae Variant Classification Sherloc (09022015). Collection method: clinical testing. Allele origin: germline.
Comment: For these reasons, this variant has been classified as Pathogenic. ClinVar contains an entry for this variant (Variation ID: 549405). This premature translational stop signal has been observed in individuals with Marfan syndrome (PMID: 11700157, 12161601). This variant is not present in population databases (gnomAD no frequency). This sequence change creates a premature translational stop signal (p.Tyr2466*) in the FBN1 gene. It is expected to result in an absent or disrupted protein product. Loss-of-function variants in FBN1 are known to be pathogenic (PMID: 17657824, 19293843).

Centre of Medical Genetics, University of Antwerp
Classification: Pathogenic for Marfan syndrome. Last evaluated: 2021-03-01. Review status: criteria provided, single submitter. Criteria: Submitter's publication. Collection method: research. Allele origin: unknown. Affected: yes.
Comment: PM2, PVS1, PP4

Center for Medical Genetics Ghent, University of Ghent
Classification: Pathogenic for Marfan syndrome. Last evaluated: 2017-11-07. Review status: no assertion criteria provided. Collection method: clinical testing. Allele origin: germline. Affected: yes. Not counted in ClinVar's aggregate classification.

Literature cited by the submitters: PubMed 11700157 (cited by Labcorp Genetics (formerly Invitae), Labcorp); PubMed 12161601 (cited by Labcorp Genetics (formerly Invitae), Labcorp); PubMed 17657824 (cited by Labcorp Genetics (formerly Invitae), Labcorp); PubMed 19293843 (cited by Labcorp Genetics (formerly Invitae), Labcorp).